The following is an entry in ClinVar:

ClinVar aggregate classification (germline): Uncertain significance. Review status: criteria provided, multiple submitters, no conflicts (2 of 4 stars). 2 submissions from 2 submitters: Uncertain significance (2). Last evaluated 2024-08-15.

Conditions:
Retinitis pigmentosa (RP). Identifiers: Orphanet 791, MedGen C0035334, MeSH D012174, MONDO:0019200, OMIM 268000. Inheritance: Autosomal dominant, autosomal recessive and X linked inheritance.

Allele frequency attached by ClinVar (database versions not stated): gnomAD exomes below 0.00001 and 0.00001; ExAC 0.00001.

Submissions (2):

Women's Health and Genetics/Laboratory Corporation of America, LabCorp
Classification: Uncertain significance. Last evaluated: 2024-08-15. Review status: criteria provided, single submitter. Criteria: LabCorp Variant Classification Summary - May 2015. Collection method: clinical testing. Allele origin: germline.
Comment: Variant summary: TULP1 c.1597T>C (p.Ser533Pro) results in a non-conservative amino acid change located in the Tubby, C-terminal domain (IPR000007) of the encoded protein sequence. Five of five in-silico tools predict a damaging effect of the variant on protein function. The variant allele was found at a frequency of 1.2e-05 in 247492 control chromosomes. The available data on variant occurrences in the general population are insufficient to allow any conclusion about variant significance. c.1597T>C has been reported in the literature in a compount heterozygous individual affected with Leber Congenital Amaurosis (Zampaglione_2020). These data do not allow any conclusion about variant significance. To our knowledge, no experimental evidence demonstrating an impact on protein function has been reported. The following publication have been ascertained in the context of this evaluation (PMID: 32037395). ClinVar contains an entry for this variant (Variation ID: 1297128). Based on the evidence outlined above, the variant was classified as uncertain significance.

Broad Center for Mendelian Genomics, Broad Institute of MIT and Harvard
Classification: Uncertain significance for Retinitis pigmentosa. Last evaluated: 2021-04-01. Review status: criteria provided, single submitter. Criteria: ACMG Guidelines, 2015. Collection method: curation. Allele origin: germline. Inheritance: Autosomal recessive inheritance. Affected: yes.
Comment: Through a review of available evidence we were able to apply the following criteria: PM2, PP3. Based on this evidence we have classified this variant as a Variant of Uncertain Significance. If you have any questions about the classification please reach out to the Pierce Lab.

Literature cited by the submitters: PubMed 32037395 (cited by Women's Health and Genetics/Laboratory Corporation of America, LabCorp); PubMed 34906470 (cited by Broad Center for Mendelian Genomics, Broad Institute of MIT and Harvard).

NM_003322.6(TULP1):c.1597T>C (p.Ser533Pro)

Gene: TULP1 (TUB like protein 1; minus strand). Cytogenetic location: 6p21.31.
Variant type: single nucleotide variant.
Coding change: c.1597T>C on transcript NM_003322.6 (MANE Select); coding-DNA position 1597, T replaced by C.
Protein change: p.Ser533Pro; replaces serine 533 with proline.
Molecular consequence: missense variant.
Genome position (GRCh38, 1-based): chr6:35,498,359, A>G on the plus strand (T>C on the coding strand, the complement: TULP1 is on the minus strand). VCF-style: chr6-35498359-A-G. GRCh37 (hg19) VCF-style: chr6-35466136-A-G.
Other names: c.1438T>C, p.Ser480Pro (NM_001289395.2); short protein forms S480P, S533P.
Identifiers: ClinVar variation 1297128 (VCV001297128.3), dbSNP rs769287941, ClinGen allele CA3772511.